The following is an entry in ClinVar:

ClinVar aggregate classification (germline): Likely pathogenic (1 of 4 stars; one submission).

Conditions:
Dilated cardiomyopathy 1G (CMD1G). Identifiers: Orphanet 154, MedGen C1858763, MONDO:0011400, OMIM 604145.
Autosomal recessive limb-girdle muscular dystrophy type 2J (LGMDR10). Also called: Limb-girdle muscular dystrophy, type 2J; MUSCULAR DYSTROPHY, LIMB-GIRDLE, AUTOSOMAL RECESSIVE 10. Identifiers: Orphanet 140922, MedGen C1837342, MONDO:0012127, OMIM 608807.

Submission:

Labcorp Genetics (formerly Invitae), Labcorp
Classification: Likely pathogenic for Dilated cardiomyopathy 1G; Autosomal recessive limb-girdle muscular dystrophy type 2J. Last evaluated: 2025-02-23. Review status: criteria provided, single submitter. Criteria: Invitae Variant Classification Sherloc (09022015). Collection method: clinical testing. Allele origin: germline.
Comment: This sequence change creates a premature translational stop signal (p.Val32695Serfs*3) in the TTN gene. While this is not anticipated to result in nonsense mediated decay, it is expected to create a truncated TTN protein. This variant is not present in population databases (gnomAD no frequency). This variant has not been reported in the literature in individuals affected with TTN-related conditions. This variant is located in the A band of TTN (PMID: 25589632). Truncating variants in this region are significantly overrepresented in patients affected with dilated cardiomyopathy (PMID: 25589632). Truncating variants in this region have also been reported in individuals affected with autosomal recessive centronuclear myopathy (PMID: 23975875). In summary, the currently available evidence indicates that the variant is pathogenic, but additional data are needed to prove that conclusively. Therefore, this variant has been classified as Likely Pathogenic.

Literature cited by the submitters: PubMed 25589632; PubMed 23975875.

NM_001267550.2(TTN):c.98082dup (p.Val32695fs)

Genes: TTN (titin; minus strand), TTN-AS1 (TTN antisense RNA 1; plus strand). Cytogenetic location: 2q31.2.
Variant type: Duplication.
Coding change: c.98082dup on transcript NM_001267550.2 (MANE Select); coding-DNA position 98082, one base duplicated (A; older notation c.98082dupA).
Protein change: p.Val32695fs; shifts the reading frame from valine 32695.
Molecular consequence: frameshift variant.
Genome position (GRCh38, 1-based): chr2:178,540,084, T duplicated on the plus strand (A on the coding strand, the reverse complement: TTN is on the minus strand); the first of 3 consecutive T bases (chr2:178,540,084-178,540,086); duplicating any one gives the same sequence. VCF-style (leftmost placement, unchanged base first): chr2-178540083-C-CT. GRCh37 (hg19) VCF-style: chr2-179404810-C-CT.
Other names: c.93159dup, p.Val31054fs (NM_001256850.1); c.70887dup, p.Val23630fs (NM_003319.4); c.90378dup, p.Val30127fs (NM_133378.4); c.71262dup, p.Val23755fs (NM_133432.3); c.71463dup, p.Val23822fs (NM_133437.4); short protein forms V23755fs, V32695fs, V23630fs, V23822fs, V30127fs, V31054fs.
Identifiers: ClinVar variation 4784189 (VCV004784189.1).